The following is an entry in ClinVar:

NM_000059.4(BRCA2):c.8012_8034del (p.Ala2671fs)

Gene: BRCA2 (BRCA2 DNA repair associated; plus strand). Cytogenetic location: 13q13.1.
Variant type: Deletion.
Coding change: c.8012_8034del on transcript NM_000059.4 (MANE Select); coding-DNA positions 8012 to 8034, 23 bases deleted (CTATAAAAAAGATAATGGAAAGG).
Protein change: p.Ala2671fs; shifts the reading frame from alanine 2671.
Molecular consequence: frameshift variant.
Genome position (GRCh38, 1-based): chr13:32,363,214-32,363,236, CTATAAAAAAGATAATGGAAAGG deleted; deleting any 23 consecutive bases within chr13:32,363,212-32,363,236 gives the same sequence; the c. name uses the placement nearest the transcript's 3' end. VCF-style (leftmost placement, unchanged base first): chr13-32363211-CGGCTATAAAAAAGATAATGGAAA-C. GRCh37 (hg19) VCF-style: chr13-32937348-CGGCTATAAAAAAGATAATGGAAA-C.
Other names: 8238del23; c.8012_8034delCTATAAAAAAGATAATGGAAAGG (NM_000059.3); short protein forms A2671fs.
Identifiers: ClinVar variation 254619 (VCV000254619.2), dbSNP rs80359690, ClinGen allele CA025403.

ClinVar aggregate classification (germline): Pathogenic. Review status: reviewed by expert panel (3 of 4 stars). 2 submissions from 2 submitters: Pathogenic (1). 1 of the submissions does not count toward it. Last evaluated 2016-09-08.

Conditions:
Breast-ovarian cancer, familial, susceptibility to, 2 (BROVCA2). Also called: BRCA2 Hereditary Breast and Ovarian Cancer. Identifiers: Orphanet 145, MedGen C2675520, MONDO:0012933, OMIM 612555. Disease mechanism: loss of function.

Submissions (2):

Evidence-based Network for the Interpretation of Germline Mutant Alleles (ENIGMA)
Classification: Pathogenic for Breast-ovarian cancer, familial, susceptibility to, 2. Last evaluated: 2016-09-08. Review status: reviewed by expert panel. Criteria: ENIGMA BRCA1/2 Classification Criteria (2015). Collection method: curation. Allele origin: germline.
Comment: Variant allele predicted to encode a truncated non-functional protein.

Breast Cancer Information Core (BIC) (BRCA2)
Classification: Pathogenic for Breast-ovarian cancer, familial 2. Last evaluated: 1999-12-30. Review status: no assertion criteria provided. Collection method: clinical testing. Allele origin: germline. Affected: yes. Observed: 1 variant allele. Not counted in ClinVar's aggregate classification.